The following is an entry in ClinVar:

ClinVar aggregate classification (germline): Uncertain significance (1 of 4 stars; one submission).

Submission:

Women's Health and Genetics/Laboratory Corporation of America, LabCorp
Classification: Uncertain significance. Last evaluated: 2025-11-12. Review status: criteria provided, single submitter. Criteria: LabCorp Variant Classification Summary - May 2015. Collection method: clinical testing. Allele origin: germline.
Comment: Variant summary: COL4A2 c.1400C>T (p.Ser467Phe) results in a non-conservative amino acid change in the encoded protein sequence. Algorithms developed to predict the effect of missense changes on protein structure and function are either unavailable or do not agree on the potential impact of this missense change. The variant was absent in 248232 control chromosomes. The available data on variant occurrences in the general population are insufficient to allow any conclusion about variant significance. To our knowledge, no occurrence of c.1400C>T in individuals affected with COL4A2-related conditions and no experimental evidence demonstrating its impact on protein function have been reported. No submitters have cited clinical-significance assessments for this variant to ClinVar. Based on the evidence outlined above, the variant was classified as uncertain significance.

NM_001846.4(COL4A2):c.1400C>T (p.Ser467Phe)

Genes: COL4A2 (collagen type IV alpha 2 chain; plus strand), COL4A2-AS2 (COL4A2 antisense RNA 2; minus strand). Cytogenetic location: 13q34.
Variant type: single nucleotide variant.
Coding change: c.1400C>T on transcript NM_001846.4 (MANE Select); coding-DNA position 1400, C replaced by T.
Protein change: p.Ser467Phe; replaces serine 467 with phenylalanine.
Molecular consequence: missense variant.
Genome position (GRCh38, 1-based): chr13:110,457,403, C>T. VCF-style: chr13-110457403-C-T. GRCh37 (hg19) VCF-style: chr13-111109750-C-T.
Other names: short protein forms S467F.
Identifiers: ClinVar variation 4536796 (VCV004536796.1).